The following is an entry in ClinVar:

ClinVar aggregate classification (germline): Likely benign. Review status: criteria provided, multiple submitters, no conflicts (2 of 4 stars). 2 submissions from 2 submitters: Likely benign (2). Last evaluated 2018-06-14.

Allele frequency attached by ClinVar (database versions not stated): 1000 Genomes Project 0.00819; 1000 Genomes Project 30x 0.00906; gnomAD 0.01523 and 0.01552; TOPMed 0.01589; gnomAD exomes 0.01639 and 0.02045; ESP Exome Variant Server 0.01648; ExAC 0.01753.
gnomAD v4.1: 29,082 of 1,460,366 alleles (2%); highest among the groups gnomAD compares: Non-Finnish European, 2.4%; 353 homozygotes.

Submissions (2):

GeneDx
Classification: Likely benign. Last evaluated: 2018-06-14. Review status: criteria provided, single submitter. Criteria: GeneDx Variant Classification (06012015). Collection method: clinical testing. Allele origin: germline. Affected: yes.
Comment: This variant is considered likely benign or benign based on one or more of the following criteria: it is a conservative change, it occurs at a poorly conserved position in the protein, it is predicted to be benign by multiple in silico algorithms, and/or has population frequency not consistent with disease.

Breakthrough Genomics
Classification: Likely benign. Review status: criteria provided, single submitter. Criteria: ACMG Guidelines, 2015. Collection method: not provided. Allele origin: germline. Inheritance: Autosomal recessive inheritance. Affected: yes.

NM_001258392.3(CLPB):c.1067-50C>T

Gene: CLPB (ClpB family mitochondrial disaggregase; minus strand). Cytogenetic location: 11q13.4.
Variant type: single nucleotide variant.
Coding change: c.1067-50C>T on transcript NM_001258392.3 (MANE Select); 50 bases into the intron before coding-DNA position 1067, C replaced by T.
Molecular consequence: intron variant.
Genome position (GRCh38, 1-based): chr11:72,307,304, G>A on the plus strand (C>T on the coding strand, the complement: CLPB is on the minus strand). VCF-style: chr11-72307304-G-A. GRCh37 (hg19) VCF-style: chr11-72018348-G-A.
Other names: c.980-50C>T (NM_001258393.3); c.1157-50C>T (NM_030813.6); c.1022-50C>T (NM_001258394.3).
Identifiers: ClinVar variation 676108 (VCV000676108.2), dbSNP rs74559788, ClinGen allele CA6171283.
Genomic context (GRCh38, chr11:72,307,304, plus strand): 5'-CTCTGTTTTTCCTAGTAAGAAAGAAGGGGGAGGTGTTGGGTTAGAACCAGGTGACTAACC[G>A]CTGGAATGAAAGAATACTAGAAATGCACGGACACTAGAAAGAATATATTCTATGGATGAG-3'